The following is an entry in ClinVar:

ClinVar aggregate classification (germline): Conflicting classifications of pathogenicity. Review status: criteria provided, conflicting classifications (1 of 4 stars). 2 submissions from 2 submitters: Uncertain significance (1); Likely benign (1). Last evaluated 2023-03-23.

Conditions:
Hereditary cancer-predisposing syndrome. Also called: Hereditary Cancer Syndrome; Tumor predisposition; Neoplastic Syndromes, Hereditary; Hereditary neoplastic syndrome. Identifiers: Orphanet 140162, MedGen C0027672, MeSH D009386, MONDO:0015356.
Hereditary breast ovarian cancer syndrome. Also called: Hereditary breast and ovarian cancer; Hereditary breast and ovarian cancer syndrome; Breast and ovarian cancer; BRCA1- and BRCA2-Associated Hereditary Breast and Ovarian Cancer; Hereditary breast and/or ovarian cancer syndrome; Hereditary breast and ovarian cancer syndrome (HBOC). Identifiers: Orphanet 145, MedGen C0677776, MeSH D061325, MONDO:0003582. Disease mechanism: loss of function.

gnomAD v4.1: 1 of 1,597,898 alleles (0.000063%); highest among the groups gnomAD compares: Non-Finnish European, 0.000085%; no homozygotes.

Submissions (2):

University of Washington Department of Laboratory Medicine, University of Washington
Classification: Likely benign for Hereditary cancer-predisposing syndrome. Last evaluated: 2023-03-23. Review status: criteria provided, single submitter. Criteria: Dines et al. (Genet Med. 2020). Collection method: curation. Allele origin: germline.
Comment: Missense variant in a coldspot region where missense variants are very unlikely to be pathogenic (PMID:31911673).

BRCA2 exon 11 coldspot. Reclassification based on statistical prior probability.

Labcorp Genetics (formerly Invitae), Labcorp
Classification: Uncertain significance for Hereditary breast ovarian cancer syndrome. Last evaluated: 2022-03-02. Review status: criteria provided, single submitter. Criteria: Invitae Variant Classification Sherloc (09022015). Collection method: clinical testing. Allele origin: germline.
Comment: In summary, the available evidence is currently insufficient to determine the role of this variant in disease. Therefore, it has been classified as a Variant of Uncertain Significance. Advanced modeling of protein sequence and biophysical properties (such as structural, functional, and spatial information, amino acid conservation, physicochemical variation, residue mobility, and thermodynamic stability) performed at Invitae indicates that this missense variant is not expected to disrupt BRCA2 protein function. This variant has not been reported in the literature in individuals affected with BRCA2-related conditions. This variant is not present in population databases (gnomAD no frequency). This sequence change replaces valine, which is neutral and non-polar, with leucine, which is neutral and non-polar, at codon 894 of the BRCA2 protein (p.Val894Leu).

NM_000059.4(BRCA2):c.2680G>T (p.Val894Leu)

Gene: BRCA2 (BRCA2 DNA repair associated; plus strand). Cytogenetic location: 13q13.1.
Variant type: single nucleotide variant.
Coding change: c.2680G>T on transcript NM_000059.4 (MANE Select); coding-DNA position 2680, G replaced by T.
Protein change: p.Val894Leu; replaces valine 894 with leucine.
Molecular consequence: missense variant.
Genome position (GRCh38, 1-based): chr13:32,337,035, G>T. VCF-style: chr13-32337035-G-T. GRCh37 (hg19) VCF-style: chr13-32911172-G-T.
Other names: c.2680G>T, p.Val894Leu (NM_001406719.1, NM_001406720.1); short protein forms V894L.
Identifiers: ClinVar variation 2105701 (VCV002105701.6), dbSNP rs28897715, ClinGen allele CA387773421.